The following is an entry in ClinVar:

ClinVar aggregate classification (germline): Likely benign. Review status: criteria provided, multiple submitters, no conflicts (2 of 4 stars). 3 submissions from 3 submitters: Likely benign (3). Last evaluated 2026-01-26.

Conditions:
CYFIP2-related disorder. Also called: CYFIP2-related condition.
Inborn genetic diseases. Identifiers: MedGen C0950123, MeSH D030342.

Allele frequency attached by ClinVar (database versions not stated): gnomAD exomes 0.00007 and 0.00011; gnomAD 0.00008 and 0.00013; TOPMed 0.00013; ExAC 0.00017; 1000 Genomes Project 0.00060; 1000 Genomes Project 30x 0.00078.
gnomAD v4.1: 119 of 1,553,532 alleles (0.0077%); highest among the groups gnomAD compares: East Asian, 0.27%; no homozygotes.

Submissions (3):

Labcorp Genetics (formerly Invitae), Labcorp
Classification: Likely benign. Last evaluated: 2026-01-26. Review status: criteria provided, single submitter. Criteria: Invitae Variant Classification Sherloc (09022015). Collection method: clinical testing. Allele origin: germline.

PreventionGenetics, part of Exact Sciences
Classification: Likely benign for CYFIP2-related condition. Last evaluated: 2024-11-25. Review status: criteria provided, single submitter. Criteria: ACMG Guidelines, 2015. Collection method: clinical testing. Allele origin: germline.
Comment: This variant is classified as likely benign based on ACMG/AMP sequence variant interpretation guidelines (Richards et al. 2015 PMID: 25741868, with internal and published modifications).

Ambry Genetics
Classification: Likely benign for Inborn genetic diseases. Last evaluated: 2021-11-09. Review status: criteria provided, single submitter. Criteria: Ambry Variant Classification Scheme 2023. Collection method: clinical testing. Allele origin: germline.

NM_001037333.3(CYFIP2):c.3490A>G (p.Ile1164Val)

Genes: NIPAL4-DT (NIPAL4 divergent transcript; minus strand), CYFIP2 (cytoplasmic FMR1 interacting protein 2; plus strand), LOC126807569 (P300/CBP strongly-dependent group 1 enhancer GRCh37_chr5:156817055-156818254; plus strand). Cytogenetic location: 5q33.3.
Variant type: single nucleotide variant.
Coding change: c.3490A>G on transcript NM_001037333.3 (MANE Select); coding-DNA position 3490, A replaced by G.
Protein change: p.Ile1164Val; replaces isoleucine 1164 with valine.
Molecular consequence: missense variant.
Genome position (GRCh38, 1-based): chr5:157,390,564, A>G. VCF-style: chr5-157390564-A-G. GRCh37 (hg19) VCF-style: chr5-156817572-A-G.
Other names: c.3490A>G (NM_001037333.1); c.3565A>G (NM_001291722.1); c.3412A>G, p.Ile1138Val (NM_001291721.2); c.3565A>G, p.Ile1189Val (NM_001291722.2); c.3490A>G, p.Ile1164Val (NM_014376.4); short protein forms I1138V, I1164V, I1189V.
Identifiers: ClinVar variation 1644835 (VCV001644835.10), dbSNP rs556174999, ClinGen allele CA3534394.